The following is an entry in ClinVar:

NM_001844.5(COL2A1):c.3488_3489+2del

Gene: COL2A1 (collagen type II alpha 1 chain; minus strand). Cytogenetic location: 12q13.11.
Variant type: Deletion.
Coding change: c.3488_3489+2del on transcript NM_001844.5 (MANE Select); coding-DNA position 3488 through the canonical splice donor site of the intron after coding-DNA position 3489, 4 bases deleted (GAGT; older notation c.3488_3489+2delGAGT).
Molecular consequence: splice donor variant.
Genome position (GRCh38, 1-based): chr12:47,976,512-47,976,515, ACTC deleted on the plus strand (GAGT on the coding strand, the reverse complement: COL2A1 is on the minus strand). VCF-style (leftmost placement, unchanged base first): chr12-47976511-TACTC-T. GRCh37 (hg19) VCF-style: chr12-48370294-TACTC-T.
Other names: c.3281_3282+2del (NM_033150.3).
Identifiers: ClinVar variation 3660367 (VCV003660367.2).

ClinVar aggregate classification (germline): Likely pathogenic (1 of 4 stars; one submission).

Submission:

Labcorp Genetics (formerly Invitae), Labcorp
Classification: Likely pathogenic. Last evaluated: 2024-07-23. Review status: criteria provided, single submitter. Criteria: Invitae Variant Classification Sherloc (09022015). Collection method: clinical testing. Allele origin: germline.
Comment: This variant results in the deletion of part of exon 49 (c.3488_3489+2del) of the COL2A1 gene. It is expected to disrupt RNA splicing. Variants that disrupt the donor or acceptor splice site typically lead to a loss of protein function (PMID: 16199547), and loss-of-function variants in COL2A1 are known to be pathogenic (PMID: 20179744). This variant is not present in population databases (gnomAD no frequency). This variant has not been reported in the literature in individuals affected with COL2A1-related conditions. In summary, the currently available evidence indicates that the variant is pathogenic, but additional data are needed to prove that conclusively. Therefore, this variant has been classified as Likely Pathogenic.

Literature cited by the submitters: PubMed 16199547; PubMed 20179744.